The following is an entry in ClinVar:

ClinVar aggregate classification (germline): Uncertain significance (1 of 4 stars; one submission).

Submission:

Labcorp Genetics (formerly Invitae), Labcorp
Classification: Uncertain significance. Last evaluated: 2025-03-05. Review status: criteria provided, single submitter. Criteria: Invitae Variant Classification Sherloc (09022015). Collection method: clinical testing. Allele origin: germline.
Comment: This sequence change replaces glycine, which is neutral and non-polar, with arginine, which is basic and polar, at codon 18 of the POLR1A protein (p.Gly18Arg). This variant is not present in population databases (gnomAD no frequency). This variant has not been reported in the literature in individuals affected with POLR1A-related conditions. ClinVar contains an entry for this variant (Variation ID: 2967338). Invitae Evidence Modeling of protein sequence and biophysical properties (such as structural, functional, and spatial information, amino acid conservation, physicochemical variation, residue mobility, and thermodynamic stability) indicates that this missense variant is not expected to disrupt POLR1A protein function with a negative predictive value of 80%. In summary, the available evidence is currently insufficient to determine the role of this variant in disease. Therefore, it has been classified as a Variant of Uncertain Significance.

NM_015425.6(POLR1A):c.52G>C (p.Gly18Arg)

Genes: POLR1A (RNA polymerase I subunit A; minus strand), LOC129934243 (ATAC-STARR-seq lymphoblastoid active region 16153; plus strand). Cytogenetic location: 2p11.2.
Variant type: single nucleotide variant.
Coding change: c.52G>C on transcript NM_015425.6 (MANE Select); coding-DNA position 52, G replaced by C.
Protein change: p.Gly18Arg; replaces glycine 18 with arginine.
Molecular consequence: missense variant.
Genome position (GRCh38, 1-based): chr2:86,105,725, C>G on the plus strand (G>C on the coding strand, the complement: POLR1A is on the minus strand). VCF-style: chr2-86105725-C-G. GRCh37 (hg19) VCF-style: chr2-86332848-C-G.
Other names: short protein forms G18R.
Identifiers: ClinVar variation 2967338 (VCV002967338.3), dbSNP rs1232027466, ClinGen allele CA347559270.